The following is an entry in ClinVar:

NM_000123.4(ERCC5):c.2778C>G (p.Gly926=)

Genes: BIVM-ERCC5 (BIVM-ERCC5 readthrough; plus strand), ERCC5 (ERCC excision repair 5, endonuclease; plus strand). Cytogenetic location: 13q33.1.
Variant type: single nucleotide variant.
Coding change: c.2778C>G on transcript NM_000123.4 (MANE Select); coding-DNA position 2778, C replaced by G.
Protein change: p.Gly926=; no amino-acid change (glycine 926 retained).
Molecular consequence: synonymous variant.
Genome position (GRCh38, 1-based): chr13:102,872,297, C>G. VCF-style: chr13-102872297-C-G. GRCh37 (hg19) VCF-style: chr13-103524647-C-G.
Other names: c.4140C>G, p.Gly1380= (NM_001204425.2).
Identifiers: ClinVar variation 310935 (VCV000310935.56), dbSNP rs9518857, ClinGen allele CA7041737.

ClinVar aggregate classification (germline): Benign/Likely benign. Review status: criteria provided, multiple submitters, no conflicts (2 of 4 stars). 9 submissions from 8 submitters: Benign (1); Likely benign (6). 2 of the submissions do not count toward it. Last evaluated 2026-09-01.

Conditions:
Hereditary cancer-predisposing syndrome. Also called: Tumor predisposition; Neoplastic Syndromes, Hereditary; Hereditary neoplastic syndrome; Hereditary Cancer Syndrome. Identifiers: Orphanet 140162, MedGen C0027672, MeSH D009386, MONDO:0015356.
BIVM-ERCC5-related disorder. Also called: BIVM-ERCC5-related condition.
ERCC5-related disorder. Also called: ERCC5-related condition.
Xeroderma pigmentosum, group G (XPG). Also called: ERCC5-Related Xeroderma Pigmentosum; XERODERMA PIGMENTOSUM VII; XP, GROUP G; Xeroderma pigmentosum type 7. Identifiers: MedGen C0268141, MONDO:0010216, OMIM 278780.

Allele frequency attached by ClinVar (database versions not stated): 1000 Genomes Project 0.00040; 1000 Genomes Project 30x 0.00047; ESP Exome Variant Server 0.00231; TOPMed 0.00237; gnomAD 0.00254 and 0.00270; gnomAD exomes 0.00294 and 0.00431; ExAC 0.00337.
gnomAD v4.1: 6,597 of 1,614,190 alleles (0.41%); highest among the groups gnomAD compares: Non-Finnish European, 0.51%; 20 homozygotes.

Submissions (9):

CeGaT Center for Human Genetics Tuebingen
Classification: Likely benign. Last evaluated: 2026-09-01. Review status: criteria provided, single submitter. Criteria: CeGaT Center For Human Genetics Tuebingen Variant Classification Criteria Version 2. Collection method: clinical testing. Allele origin: germline. Affected: yes. Observed: 50 variant alleles.
Comment: BIVM-ERCC5: BP4, BP7, BS2; ERCC5: BP4, BP7, BS2

Labcorp Genetics (formerly Invitae), Labcorp
Classification: Benign. Last evaluated: 2026-01-25. Review status: criteria provided, single submitter. Criteria: Invitae Variant Classification Sherloc (09022015). Collection method: clinical testing. Allele origin: germline.

GeneDx
Classification: Likely benign. Last evaluated: 2021-04-22. Review status: criteria provided, single submitter. Criteria: GeneDx Variant Classification Process June 2021. Collection method: clinical testing. Allele origin: germline. Affected: yes.

Sema4
Classification: Likely benign for Hereditary cancer-predisposing syndrome. Last evaluated: 2021-03-08. Review status: criteria provided, single submitter. Criteria: Sema4 Curation Guidelines. Collection method: curation. Allele origin: germline.

PreventionGenetics, part of Exact Sciences
Classification: Likely benign for BIVM-ERCC5-related condition. Last evaluated: 2019-06-27. Review status: criteria provided, single submitter. Criteria: ACMG Guidelines, 2015. Collection method: clinical testing. Allele origin: germline.
Comment: This variant is classified as likely benign based on ACMG/AMP sequence variant interpretation guidelines (Richards et al. 2015 PMID: 25741868, with internal and published modifications).

Illumina Laboratory Services, Illumina
Classification: Likely benign for Xeroderma pigmentosum, group G. Last evaluated: 2018-01-13. Review status: criteria provided, single submitter. Criteria: ICSL Variant Classification Criteria 13 December 2019. Collection method: clinical testing. Allele origin: germline.
Comment: This variant was observed in the ICSL laboratory as part of a predisposition screen in an ostensibly healthy population. It had not been previously curated by ICSL or reported in the Human Gene Mutation Database (HGMD: prior to June 1st, 2018), and was therefore a candidate for classification through an automated scoring system. Utilizing variant allele frequency, disease prevalence and penetrance estimates, and inheritance mode, an automated score was calculated to assess if this variant is too frequent to cause the disease. Based on the score and internal cut-off values, a variant classified as likely benign is not then subjected to further curation. The score for this variant resulted in a classification of likely benign for this disease.

Clinical Genetics DNA and cytogenetics Diagnostics Lab, Erasmus MC, Erasmus Medical Center
Classification: Likely benign for Xeroderma pigmentosum, group G. Last evaluated: 2017-06-28. Review status: criteria provided, single submitter. Criteria: ACGS Guidelines, 2013. Collection method: clinical testing. Allele origin: germline. Affected: yes. Study: VKGL Data-share Consensus.

PreventionGenetics, part of Exact Sciences
Classification: Likely benign for ERCC5-related condition. Last evaluated: 2019-06-27. Review status: no assertion criteria provided. Collection method: clinical testing. Allele origin: germline. Not counted in ClinVar's aggregate classification.
Comment: the same text as in the submission from PreventionGenetics, part of Exact Sciences above.

Genome Diagnostics Laboratory, Amsterdam University Medical Center
Classification: Likely benign for Xeroderma pigmentosum, group G. Last evaluated: 2016-07-11. Review status: no assertion criteria provided. Criteria: ACGS Guidelines, 2013. Collection method: clinical testing. Allele origin: germline. Affected: yes. Study: VKGL Data-share Consensus. Not counted in ClinVar's aggregate classification.